The following is an entry in ClinVar:

ClinVar aggregate classification (germline): Uncertain significance (1 of 4 stars; one submission).

Conditions:
Intellectual developmental disorder, autosomal dominant 71, with behavioral abnormalities (MRD71). Identifiers: MedGen C5830437, MONDO:0957228, OMIM 620330.

Submission:

Institute of Human Genetics, University of Goettingen
Classification: Uncertain significance for Intellectual developmental disorder, autosomal dominant 71, with behavioral abnormalities. Last evaluated: 2026-07-30. Review status: criteria provided, single submitter. Criteria: ACMG Guidelines, 2015. Collection method: clinical testing. Allele origin: germline. Affected: yes. Observed: 1 variant allele, 1 heterozygote.
Comment: The NM_022841.7(RFX7):c.2491_2505dupTATAGCCAGCAGCTA (p.Leu835_His836insTyrSerGlnGlnLeu) variant causes a conservative inframe insertion change. The variant results in an in-frame change. Note: allele frequency estimates from gnomAD may be inaccurate for this variant type (MNP or indel longer than 3 bp) due to technology limitations. The variant allele was found at a cumulative frequency of 0.000000684 (AC=1) in the gnomAD database across 1,461,348 control chromosomes (no homozygotes observed). The grpmax filtering allele frequency (95% CI) is 0.000000684. No clinical diagnostic laboratories have submitted clinical-significance assessments for this variant to ClinVar. ACMG criteria used for classification: PM2_sup, PM4_mod.

NM_022841.7(RFX7):c.2491_2505dup (p.Leu835_His836insTyrSerGlnGlnLeu)

Gene: RFX7 (regulatory factor X7; minus strand). Cytogenetic location: 15q21.3.
Variant type: Duplication.
Coding change: c.2491_2505dup on transcript NM_022841.7 (MANE Select); coding-DNA positions 2491 to 2505, 15 bases duplicated (TATAGCCAGCAGCTA).
Protein change: p.Leu835_His836insTyrSerGlnGlnLeu.
Molecular consequence: inframe insertion.
Genome position (GRCh38, 1-based): chr15:56,095,223-56,095,237, TAGCTGCTGGCTATA duplicated on the plus strand (TATAGCCAGCAGCTA on the coding strand, the reverse complement: RFX7 is on the minus strand); duplicating any 15 consecutive bases within chr15:56,095,223-56,095,238 gives the same sequence; the c. name uses the placement nearest the transcript's 3' end. VCF-style (leftmost placement, unchanged base first): chr15-56095222-G-GTAGCTGCTGGCTATA. GRCh37 (hg19) VCF-style: chr15-56387420-G-GTAGCTGCTGGCTATA.
Other names: c.2200_2214dup, p.Leu738_His739insTyrSerGlnGlnLeu (NM_001368073.2, NM_001368074.1, NM_001370554.1); c.2491_2505dup, p.Leu835_His836insTyrSerGlnGlnLeu (NM_001370561.1).
Identifiers: ClinVar variation 4884730 (VCV004884730.1).
Genomic context (GRCh38, chr15:56,095,222, plus strand): 5'-GTAACTGATCTGAAGAATGTGCTTGTATTTGATTTAAAGAAGATTCCTGTATCTGGCTAT[G>GTAGCTGCTGGCTATA]TAGCTGCTGGCTATATGTGTCCTGTGGCATTCCTTCTAATTCCCAAACAGATTTCTCTAA-3'